The following is an entry in ClinVar:

ClinVar aggregate classification (germline): Uncertain significance (1 of 4 stars; one submission).

Submission:

Labcorp Genetics (formerly Invitae), Labcorp
Classification: Uncertain significance. Last evaluated: 2025-04-17. Review status: criteria provided, single submitter. Criteria: Invitae Variant Classification Sherloc (09022015). Collection method: clinical testing. Allele origin: germline.
Comment: This sequence change replaces glycine, which is neutral and non-polar, with alanine, which is neutral and non-polar, at codon 273 of the MPDZ protein (p.Gly273Ala). This variant is not present in population databases (gnomAD no frequency). This variant has not been reported in the literature in individuals affected with MPDZ-related conditions. ClinVar contains an entry for this variant (Variation ID: 1478277). An algorithm developed to predict the effect of missense changes on protein structure and function (PolyPhen-2) suggests that this variant is likely to be disruptive. In summary, the available evidence is currently insufficient to determine the role of this variant in disease. Therefore, it has been classified as a Variant of Uncertain Significance.

NM_001378778.1(MPDZ):c.818G>C (p.Gly273Ala)

Gene: MPDZ (multiple PDZ domain crumbs cell polarity complex component; minus strand). Cytogenetic location: 9p23.
Variant type: single nucleotide variant.
Coding change: c.818G>C on transcript NM_001378778.1 (MANE Select); coding-DNA position 818, G replaced by C.
Protein change: p.Gly273Ala; replaces glycine 273 with alanine.
Molecular consequence: missense variant.
Genome position (GRCh38, 1-based): chr9:13,221,430, C>G on the plus strand (G>C on the coding strand, the complement: MPDZ is on the minus strand). VCF-style: chr9-13221430-C-G. GRCh37 (hg19) VCF-style: chr9-13221429-C-G.
Other names: c.818G>C, p.Gly273Ala (NM_001261406.2, NM_001261407.2, NM_001330637.2 and 14 more transcripts); short protein forms G273A.
Identifiers: ClinVar variation 1478277 (VCV001478277.8), dbSNP rs1959081725, ClinGen allele CA372946407.